The following is an entry in ClinVar:

ClinVar aggregate classification (germline): Likely benign. Review status: criteria provided, single submitter (1 of 4 stars). 2 submissions from 2 submitters: Likely benign (1). 1 of the submissions does not count toward it. Last evaluated 2025-04-22.

Conditions:
KLF1-related disorder. Also called: KLF1-related condition; KLF1-Related Disorders.

Allele frequency attached by ClinVar (database versions not stated): gnomAD exomes 0.00018; TOPMed 0.00016; ExAC 0.00032; gnomAD 0.00006.

Submissions (2):

Mayo Clinic Laboratories, Mayo Clinic
Classification: Likely benign. Last evaluated: 2025-04-22. Review status: criteria provided, single submitter. Criteria: ACMG Guidelines, 2015. Collection method: clinical testing. Allele origin: germline. Observed: 1 variant allele.
Comment: BP4, BP7

PreventionGenetics, part of Exact Sciences
Classification: Likely benign for KLF1-related condition. Last evaluated: 2019-06-25. Review status: no assertion criteria provided. Collection method: clinical testing. Allele origin: germline. Not counted in ClinVar's aggregate classification.
Comment: This variant is classified as likely benign based on ACMG/AMP sequence variant interpretation guidelines (Richards et al. 2015 PMID: 25741868, with internal and published modifications).

NM_006563.5(KLF1):c.-1C>T

Genes: KLF1 (KLF transcription factor 1; minus strand), LOC117125592 (CRISPRi-FlowFISH-validated CALR, DHPS, JUNB, PRDX2, RAD23A, RNASEH2A and WDR83OS regulatory element; plus strand). Cytogenetic location: 19p13.13.
Variant type: single nucleotide variant.
Coding change: c.-1C>T on transcript NM_006563.5 (MANE Select); 1 bases upstream of the start codon, C replaced by T.
Molecular consequence: 5 prime UTR variant.
Genome position (GRCh38, 1-based): chr19:12,887,141, G>A on the plus strand (C>T on the coding strand, the complement: KLF1 is on the minus strand). VCF-style: chr19-12887141-G-A. GRCh37 (hg19) VCF-style: chr19-12997955-G-A.
Other names: p.?.
Identifiers: ClinVar variation 3043194 (VCV003043194.3), dbSNP rs753987258, ClinGen allele CA9234145.
Genomic context (GRCh38, chr19:12,887,141, plus strand): 5'-GAAGGGGCCCAGGGCGGTCAGTGTGCTGATGGAGGGCAAGGCGGTCTCGGCTGTGGCCAT[G>A]GCTGGCTGGTGCCCACCCTGGGCCTCAAGCCTCCTCTTCCTCGGCTGCCTCGTGAACTCT-3'